The following is an entry in ClinVar:

ClinVar aggregate classification (germline): Benign/Likely benign. Review status: criteria provided, multiple submitters, no conflicts (2 of 4 stars). 5 submissions from 5 submitters: Benign (3); Likely benign (2). Last evaluated 2026-07-01.

Conditions:
ZMYM2-related disorder. Also called: ZMYM2-related condition.
Neurodevelopmental-craniofacial syndrome with variable renal and cardiac abnormalities. Identifiers: MedGen C5561984, MONDO:0859190, OMIM 619522.

Allele frequency attached by ClinVar (database versions not stated): 1000 Genomes Project 30x 0.00156; 1000 Genomes Project 0.00160; TOPMed 0.00265; ESP Exome Variant Server 0.00296; gnomAD 0.00310 and 0.00321.
gnomAD v4.1: 5,873 of 1,613,978 alleles (0.36%); highest among the groups gnomAD compares: Non-Finnish European, 0.43%; 19 homozygotes.

Submissions (5):

CeGaT Center for Human Genetics Tuebingen
Classification: Likely benign. Last evaluated: 2026-07-01. Review status: criteria provided, single submitter. Criteria: CeGaT Center For Human Genetics Tuebingen Variant Classification Criteria Version 2. Collection method: clinical testing. Allele origin: germline. Affected: yes. Observed: 23 variant alleles.
Comment: ZMYM2: BS2

PreventionGenetics, part of Exact Sciences
Classification: Benign for ZMYM2-related condition. Last evaluated: 2024-12-12. Review status: criteria provided, single submitter. Criteria: ACMG Guidelines, 2015. Collection method: clinical testing. Allele origin: germline.
Comment: This variant is classified as benign based on ACMG/AMP sequence variant interpretation guidelines (Richards et al. 2015 PMID: 25741868, with internal and published modifications).

Fulgent Genetics
Classification: Likely benign for Neurodevelopmental-craniofacial syndrome with variable renal and cardiac abnormalities. Last evaluated: 2022-04-06. Review status: criteria provided, single submitter. Criteria: ACMG Guidelines, 2015. Collection method: clinical testing. Allele origin: unknown.

Labcorp Genetics (formerly Invitae), Labcorp
Classification: Benign. Last evaluated: 2019-12-31. Review status: criteria provided, single submitter. Criteria: Invitae Variant Classification Sherloc (09022015). Collection method: clinical testing. Allele origin: germline.

Breakthrough Genomics
Classification: Benign. Review status: criteria provided, single submitter. Criteria: ACMG Guidelines, 2015. Collection method: not provided. Allele origin: germline. Inheritance: Autosomal dominant inheritance. Affected: yes.

NM_197968.4(ZMYM2):c.454G>C (p.Asp152His)

Gene: ZMYM2 (zinc finger MYM-type containing 2; plus strand). Cytogenetic location: 13q12.11.
Variant type: single nucleotide variant.
Coding change: c.454G>C on transcript NM_197968.4 (MANE Select); coding-DNA position 454, G replaced by C.
Protein change: p.Asp152His; replaces aspartic acid 152 with histidine.
Molecular consequence: missense variant. On other transcripts: non-coding transcript variant (1).
Genome position (GRCh38, 1-based): chr13:19,993,526, G>C. VCF-style: chr13-19993526-G-C. GRCh37 (hg19) VCF-style: chr13-20567666-G-C.
Other names: c.454G>C, p.Asp152His (NM_001190964.4, NM_001190965.4, NM_001353157.2 and 6 more transcripts); c.520G>C, p.Asp174His (NM_001353161.3); c.454G>C (NM_197968.3); short protein forms D152H, D174H.
Identifiers: ClinVar variation 710811 (VCV000710811.30), dbSNP rs35516773, ClinGen allele CA6903204.